The following is an entry in ClinVar:

NM_017780.4(CHD7):c.5995del (p.Ala1999fs)

Gene: CHD7 (chromodomain helicase DNA binding protein 7; plus strand). Cytogenetic location: 8q12.2.
Variant type: Deletion.
Coding change: c.5995del on transcript NM_017780.4 (MANE Select); coding-DNA position 5995, one base deleted (G; older notation c.5995delG).
Protein change: p.Ala1999fs; shifts the reading frame from alanine 1999.
Molecular consequence: frameshift variant. On other transcripts: intron variant (1).
Genome position (GRCh38, 1-based): chr8:60,852,598, G deleted. VCF-style (leftmost placement, unchanged base first): chr8-60852597-AG-A. GRCh37 (hg19) VCF-style: chr8-61765156-AG-A.
Other names: c.1717-9631del (NM_001316690.1); short protein forms A1999fs.
Identifiers: ClinVar variation 3254735 (VCV003254735.1), dbSNP rs2488036100.
Genomic context (GRCh38, chr8:60,852,597, plus strand): 5'-ATCCACCTTTGGGGTTATTTTTGACCCTGTGAAACAGCAATTTGACTGGAACCAATTTAG[AG>A]CCTTTGCCAGGCTTGACAAAAAATCTGATGAGAGTTTGGAGAAATACTTCAGTTGTTTTG-3'

ClinVar aggregate classification (germline): Pathogenic (1 of 4 stars; one submission).

Conditions:
CHARGE syndrome (CHARGE). Also called: Hittner Hirsch Kreh syndrome; CHARGE ASSOCIATION--COLOBOMA, HEART ANOMALY, CHOANAL ATRESIA, RETARDATION, GENITAL AND EAR ANOMALIES; Coloboma, heart anomaly, choanal atresia, retardation, genital and ear anomalies; CHARGE association; Hall-Hittner syndrome. Identifiers: Orphanet 138, MedGen C0265354, MONDO:0008965.

Submission:

Victorian Clinical Genetics Services, Murdoch Childrens Research Institute
Classification: Pathogenic for CHD7-related CHARGE syndrome. Last evaluated: 2023-07-17. Review status: criteria provided, single submitter. Criteria: ACMG Guidelines, 2015. Collection method: clinical testing. Allele origin: germline. Inheritance: Autosomal dominant inheritance. Affected: yes.
Comment: Based on the classification scheme VCGS_Germline_v1.3.4, this variant is classified as Pathogenic. Following criteria are met: 0102 - Loss of function is a known mechanism of disease in this gene and is associated with CHARGE syndrome (MIM#214800) and hypogonadotropic hypogonadism 5 with or without anosmia (MIM#612370). (I) 0107 - This gene is associated with autosomal dominant disease. (I) 0201 - Variant is predicted to cause nonsense-mediated decay (NMD) and loss of protein (premature termination codon is located at least 54 nucleotides upstream of the final exon-exon junction). (SP) 0251 - This variant is heterozygous. (I) 0301 - Variant is absent from gnomAD (both v2 and v3). (SP) 0701 - Other NMD predicted variants comparable to the one identified in this case have very strong previous evidence for pathogenicity (DECIPHER). (SP) 0807 - This variant has no previous evidence of pathogenicity. (I) 0905 - No published segregation evidence has been identified for this variant. (I) 1007 - No published functional evidence has been identified for this variant. (I) 1208 - Inheritance information for this variant is not currently available in this individual. (I) Legend: (SP) - Supporting pathogenic, (I) - Information, (SB) - Supporting benign